The following is an entry in ClinVar:

NM_000038.6(APC):c.1539_1548del (p.Ala514fs)

Gene: APC (APC regulator of Wnt signaling pathway; plus strand). Cytogenetic location: 5q22.2.
Variant type: Deletion.
Coding change: c.1539_1548del on transcript NM_000038.6 (MANE Select); coding-DNA positions 1539 to 1548, 10 bases deleted (AGCCAACAAG; older notation c.1539_1548delAGCCAACAAG).
Protein change: p.Ala514fs; shifts the reading frame from alanine 514.
Molecular consequence: frameshift variant.
Genome position (GRCh38, 1-based): chr5:112,827,238-112,827,247, AGCCAACAAG deleted. VCF-style (leftmost placement, unchanged base first): chr5-112827237-TAGCCAACAAG-T. GRCh37 (hg19) VCF-style: chr5-112162934-TAGCCAACAAG-T.
Other names: c.1539_1548del, p.Ala514fs (NM_001127510.3, NM_001354895.2, NM_001407450.1); c.1485_1494del, p.Ala496fs (NM_001127511.3); c.1593_1602del, p.Ala532fs (NM_001354896.2, NM_001407447.1, NM_001407448.1 and 1 more transcripts); c.1569_1578del, p.Ala524fs (NM_001354897.2); c.1464_1473del, p.Ala489fs (NM_001354898.2); c.1455_1464del, p.Ala486fs (NM_001354899.2); c.1416_1425del, p.Ala473fs (NM_001354900.2); c.1362_1371del, p.Ala455fs (NM_001354901.2, NM_001407453.1); and 11 more; short protein forms A130fs, A231fs, A354fs, A385fs, A388fs, A413fs, A423fs, A431fs.
Identifiers: ClinVar variation 2583370 (VCV002583370.1), dbSNP rs2533203264, ClinGen allele CA2582341346.

ClinVar aggregate classification (germline): Pathogenic (1 of 4 stars; one submission).

Conditions:
Familial adenomatous polyposis 1 (FAP1). Also called: POLYPOSIS, ADENOMATOUS INTESTINAL; FAMILIAL ADENOMATOUS POLYPOSIS 1, ATTENUATED. Identifiers: MedGen C2713442, MONDO:0021056, OMIM 175100. Disease mechanism: loss of function.

Submission:

Myriad Genetics, Inc.
Classification: Pathogenic for Familial adenomatous polyposis 1. Last evaluated: 2023-05-01. Review status: criteria provided, single submitter. Criteria: Myriad Autosomal Dominant, Autosomal Recessive and X-Linked Classification Criteria (2023). Collection method: clinical testing. Allele origin: unknown.
Comment: This variant is considered pathogenic. This variant creates a frameshift predicted to result in premature protein truncation.